The following is an entry in ClinVar:

ClinVar aggregate classification (germline): Likely benign (0 of 4 stars; one submission).

Conditions:
DCAF4L2-related disorder. Also called: DCAF4L2-related condition.

Allele frequency attached by ClinVar (database versions not stated): gnomAD exomes 0.00003; ExAC 0.00010; gnomAD 0.00032; TOPMed 0.00032; ESP Exome Variant Server 0.00038.

Submission:

PreventionGenetics, part of Exact Sciences
Classification: Likely benign for DCAF4L2-related condition. Last evaluated: 2019-09-19. Review status: no assertion criteria provided. Collection method: clinical testing. Allele origin: germline.
Comment: This variant is classified as likely benign based on ACMG/AMP sequence variant interpretation guidelines (Richards et al. 2015 PMID: 25741868, with internal and published modifications).

NM_152418.4(DCAF4L2):c.846C>T (p.Gly282=)

Gene: DCAF4L2 (DDB1 and CUL4 associated factor 4 like 2; minus strand). Cytogenetic location: 8q21.3.
Variant type: single nucleotide variant.
Coding change: c.846C>T on transcript NM_152418.4 (MANE Select); coding-DNA position 846, C replaced by T.
Protein change: p.Gly282=; no amino-acid change (glycine 282 retained).
Molecular consequence: synonymous variant.
Genome position (GRCh38, 1-based): chr8:87,873,126, G>A on the plus strand (C>T on the coding strand, the complement: DCAF4L2 is on the minus strand). VCF-style: chr8-87873126-G-A. GRCh37 (hg19) VCF-style: chr8-88885354-G-A.
Identifiers: ClinVar variation 3040367 (VCV003040367.2), dbSNP rs149891752, ClinGen allele CA4801147.
Genomic context (GRCh38, chr8:87,873,126, plus strand): 5'-AGTGGCCCTCAAGTCCCACAGCTTGATAGTTCCAGTCATGTCTGATGACACCAGGAATTG[G>A]CCATCTTGGAGGATTTGCAGAGAAGTCACTGCTGAATCATGGGACAGGCAAATGGCCTTC-3'
Protein context (NP_689631.1, residues 272-292): AVTSLQILQD[Gly282=]QFLVSSDMTG